The following is an entry in ClinVar:

ClinVar aggregate classification (germline): Uncertain significance. Review status: criteria provided, multiple submitters, no conflicts (2 of 4 stars). 2 submissions from 2 submitters: Uncertain significance (2). Last evaluated 2024-06-22.

Conditions:
Hereditary spastic paraplegia 7 (SPG7). Also called: SPG7-related neurologic disorder; Autosomal recessive spastic paraplegia type 7; SPASTIC PARAPLEGIA 7, AUTOSOMAL RECESSIVE, WITH OR WITHOUT CEREBELLAR ATAXIA; Spastic paraplegia 7; Hereditary spastic paraplegia Paraplegin type. Identifiers: Orphanet 99013, MedGen C1846564, MONDO:0011803, OMIM 607259.

Allele frequency attached by ClinVar (database versions not stated): gnomAD exomes 0.00001 and 0.00004; ExAC 0.00002; gnomAD 0.00002 and 0.00003; TOPMed 0.00003.
gnomAD v4.1: 57 of 1,614,092 alleles (0.0035%); highest among the groups gnomAD compares: Non-Finnish European, 0.0047%; no homozygotes.

Submissions (2):

Labcorp Genetics (formerly Invitae), Labcorp
Classification: Uncertain significance for Hereditary spastic paraplegia 7. Last evaluated: 2024-06-22. Review status: criteria provided, single submitter. Criteria: Invitae Variant Classification Sherloc (09022015). Collection method: clinical testing. Allele origin: germline.
Comment: This sequence change replaces tyrosine, which is neutral and polar, with cysteine, which is neutral and slightly polar, at codon 245 of the SPG7 protein (p.Tyr245Cys). This variant is present in population databases (rs771172268, gnomAD 0.003%). This variant has not been reported in the literature in individuals affected with SPG7-related conditions. ClinVar contains an entry for this variant (Variation ID: 885215). Advanced modeling of protein sequence and biophysical properties (such as structural, functional, and spatial information, amino acid conservation, physicochemical variation, residue mobility, and thermodynamic stability) has been performed at Invitae for this missense variant, however the output from this modeling did not meet the statistical confidence thresholds required to predict the impact of this variant on SPG7 protein function. In summary, the available evidence is currently insufficient to determine the role of this variant in disease. Therefore, it has been classified as a Variant of Uncertain Significance.

Illumina Laboratory Services, Illumina
Classification: Uncertain significance for Hereditary spastic paraplegia 7. Last evaluated: 2018-01-17. Review status: criteria provided, single submitter. Criteria: ICSL Variant Classification Criteria 13 December 2019. Collection method: clinical testing. Allele origin: germline.

NM_003119.4(SPG7):c.734A>G (p.Tyr245Cys)

Gene: SPG7 (SPG7 matrix AAA peptidase subunit, paraplegin; plus strand). Cytogenetic location: 16q24.3.
Variant type: single nucleotide variant.
Coding change: c.734A>G on transcript NM_003119.4 (MANE Select); coding-DNA position 734, A replaced by G.
Protein change: p.Tyr245Cys; replaces tyrosine 245 with cysteine.
Molecular consequence: missense variant.
Genome position (GRCh38, 1-based): chr16:89,526,444, A>G. VCF-style: chr16-89526444-A-G. GRCh37 (hg19) VCF-style: chr16-89592852-A-G.
Other names: c.734A>G, p.Tyr245Cys (NM_001363850.1, NM_199367.3); short protein forms Y245C.
Identifiers: ClinVar variation 885215 (VCV000885215.6), dbSNP rs771172268, ClinGen allele CA8243745.